The following is an entry in ClinVar:

NM_001148.6(ANK2):c.2804C>G (p.Thr935Ser)

Gene: ANK2 (ankyrin 2; plus strand). Cytogenetic location: 4q26.
Variant type: single nucleotide variant.
Coding change: c.2804C>G on transcript NM_001148.6 (MANE Select); coding-DNA position 2804, C replaced by G.
Protein change: p.Thr935Ser; replaces threonine 935 with serine.
Molecular consequence: missense variant.
Genome position (GRCh38, 1-based): chr4:113,318,524, C>G. VCF-style: chr4-113318524-C-G. GRCh37 (hg19) VCF-style: chr4-114239680-C-G.
Other names: c.431C>G, p.Thr144Ser (NM_001354281.2, NM_001354282.2, NM_001354278.2 and 2 more transcripts); c.2702C>G, p.Thr901Ser (NM_001386142.1, NM_001354274.2, NM_001386154.1); c.2741C>G, p.Thr914Ser (NM_001386143.1, NM_001354262.2, NM_001127493.3 and 3 more transcripts); c.2849C>G, p.Thr950Ser (NM_001386144.1, NM_001354240.2, NM_001354241.2); c.2717C>G, p.Thr906Ser (NM_001386146.1, NM_001386149.1, NM_001386150.1 and 7 more transcripts); c.2762C>G, p.Thr921Ser (NM_001386147.1, NM_001354261.2); c.2789C>G, p.Thr930Ser (NM_001386148.2, NM_001386186.2); c.2801C>G, p.Thr934Ser (NM_001354265.2, NM_001354235.2, NM_001354236.2 and 1 more transcripts); and 17 more; short protein forms T807S, T873S, T881S, T902S, T914S, T923S, T935S, T954S.
Identifiers: ClinVar variation 1373559 (VCV001373559.6), dbSNP rs2153837127, ClinGen allele CA357931258.

ClinVar aggregate classification (germline): Uncertain significance (1 of 4 stars; one submission).

Conditions:
Long QT syndrome (LQTS). Identifiers: MedGen C0023976, MeSH D008133, MONDO:0002442. Disease mechanism: loss of function. Inheritance: Various modes of inheritance.

Submission:

Labcorp Genetics (formerly Invitae), Labcorp
Classification: Uncertain significance for Long QT syndrome. Last evaluated: 2021-10-14. Review status: criteria provided, single submitter. Criteria: Invitae Variant Classification Sherloc (09022015). Collection method: clinical testing. Allele origin: germline.
Comment: This sequence change replaces threonine with serine at codon 935 of the ANK2 protein (p.Thr935Ser). The threonine residue is weakly conserved and there is a small physicochemical difference between threonine and serine. In summary, the available evidence is currently insufficient to determine the role of this variant in disease. Therefore, it has been classified as a Variant of Uncertain Significance. Algorithms developed to predict the effect of missense changes on protein structure and function output the following: SIFT: "Tolerated"; PolyPhen-2: "Benign"; Align-GVGD: "Class C0". The serine amino acid residue is found in multiple mammalian species, which suggests that this missense change does not adversely affect protein function. This variant has not been reported in the literature in individuals affected with ANK2-related conditions. This variant is not present in population databases (ExAC no frequency).